The following is an entry in ClinVar:

ClinVar aggregate classification (germline): Uncertain significance. Review status: criteria provided, multiple submitters, no conflicts (2 of 4 stars). 2 submissions from 2 submitters: Uncertain significance (2). Last evaluated 2024-07-15.

Allele frequency attached by ClinVar (database versions not stated): ExAC 0.00009; gnomAD exomes 0.00012 and 0.00028; TOPMed 0.00022; gnomAD 0.00023 and 0.00025; ESP Exome Variant Server 0.00038.
gnomAD v4.1: 432 of 1,614,042 alleles (0.027%); highest among the groups gnomAD compares: Non-Finnish European, 0.035%; no homozygotes.

Submissions (2):

Blueprint Genetics
Classification: Uncertain significance. Last evaluated: 2024-07-15. Review status: criteria provided, single submitter. Criteria: ACMG Guidelines, 2015. Collection method: clinical testing. Allele origin: germline.

Labcorp Genetics (formerly Invitae), Labcorp
Classification: Uncertain significance. Last evaluated: 2022-08-23. Review status: criteria provided, single submitter. Criteria: Invitae Variant Classification Sherloc (09022015). Collection method: clinical testing. Allele origin: germline.
Comment: This sequence change replaces glutamine, which is neutral and polar, with arginine, which is basic and polar, at codon 207 of the SEC24D protein (p.Gln207Arg). This variant is present in population databases (rs138934656, gnomAD 0.03%). This variant has not been reported in the literature in individuals affected with SEC24D-related conditions. ClinVar contains an entry for this variant (Variation ID: 1438159). Algorithms developed to predict the effect of missense changes on protein structure and function are either unavailable or do not agree on the potential impact of this missense change (SIFT: "Not Available"; PolyPhen-2: "Benign"; Align-GVGD: "Not Available"). In summary, the available evidence is currently insufficient to determine the role of this variant in disease. Therefore, it has been classified as a Variant of Uncertain Significance.

NM_014822.4(SEC24D):c.620A>G (p.Gln207Arg)

Gene: SEC24D (SEC24 homolog D, COPII component; minus strand). Cytogenetic location: 4q26.
Variant type: single nucleotide variant.
Coding change: c.620A>G on transcript NM_014822.4 (MANE Select); coding-DNA position 620, A replaced by G.
Protein change: p.Gln207Arg; replaces glutamine 207 with arginine.
Molecular consequence: missense variant.
Genome position (GRCh38, 1-based): chr4:118,815,504, T>C on the plus strand (A>G on the coding strand, the complement: SEC24D is on the minus strand). VCF-style: chr4-118815504-T-C. GRCh37 (hg19) VCF-style: chr4-119736659-T-C.
Other names: c.620A>G, p.Gln207Arg (NM_001318066.2); short protein forms Q207R.
Identifiers: ClinVar variation 1438159 (VCV001438159.4), dbSNP rs138934656, ClinGen allele CA3057499.